The following is an entry in ClinVar:

NM_003242.6(TGFBR2):c.302G>A (p.Cys101Tyr)

Gene: TGFBR2 (transforming growth factor beta receptor 2; plus strand). Cytogenetic location: 3p24.1.
Variant type: single nucleotide variant.
Coding change: c.302G>A on transcript NM_003242.6 (MANE Select); coding-DNA position 302, G replaced by A.
Protein change: p.Cys101Tyr; replaces cysteine 101 with tyrosine.
Molecular consequence: missense variant. On other transcripts: intron variant (2).
Genome position (GRCh38, 1-based): chr3:30,650,308, G>A. VCF-style: chr3-30650308-G-A. GRCh37 (hg19) VCF-style: chr3-30691800-G-A.
Other names: c.377G>A, p.Cys126Tyr (NM_001024847.3, NM_001407126.1, NM_001407139.1); c.302G>A, p.Cys101Tyr (NM_001407127.1, NM_001407130.1); c.329G>A, p.Cys110Tyr (NM_001407128.1); c.197G>A, p.Cys66Tyr (NM_001407129.1, NM_001407132.1, NM_001407133.1 and 3 more transcripts); c.170-21330G>A (NM_001407137.1); c.95-21330G>A (NM_001407138.1); short protein forms C101Y, C110Y, C126Y, C66Y.
Identifiers: ClinVar variation 3072730 (VCV003072730.1), dbSNP rs144137785, ClinGen allele CA71503219.

ClinVar aggregate classification (germline): Uncertain significance (1 of 4 stars; one submission).

Conditions:
Loeys-Dietz syndrome 2 (LDS2). Also called: TGFBR2-Related Loeys-Dietz Syndrome; AORTIC ANEURYSM, FAMILIAL THORACIC 3; MARFAN SYNDROME, TYPE II; Marfan syndrome, type 2 (formerly); Marfan Syndrome type 2; Marfan like connective tissue disorder. Identifiers: Orphanet 284973, Orphanet 558, MedGen C2674574, MONDO:0012427, OMIM 610168.

Allele frequency attached by ClinVar (database versions not stated): TOPMed 0.00001; gnomAD 0.00001; ESP Exome Variant Server 0.00008.
gnomAD v4.1: 2 of 1,613,760 alleles (0.00012%); highest among the groups gnomAD compares: African/African-American, 0.0013%; no homozygotes.

Submission:

All of Us Research Program, National Institutes of Health
Classification: Uncertain significance for Loeys-Dietz syndrome 2. Last evaluated: 2023-08-15. Review status: criteria provided, single submitter. Criteria: ACMG Guidelines, 2015. Collection method: clinical testing. Allele origin: germline. Inheritance: Autosomal dominant inheritance. Observed: 1 variant allele, 1 heterozygote.
Comment: This missense variant replaces cysteine with tyrosine at codon 101 of the TGFBR2 protein. Computational prediction suggests that this variant may have deleterious impact on protein structure and function (internally defined REVEL score threshold >= 0.7, PMID: 27666373). To our knowledge, functional studies have not been reported for this variant. This variant has not been reported in individuals affected with TGFBR2-related disorders in the literature. This variant has not been identified in the general population by the Genome Aggregation Database (gnomAD). The available evidence is insufficient to determine the role of this variant in disease conclusively. Therefore, this variant is classified as a Variant of Uncertain Significance.

This study involves interpretation of variants in research participants for the purpose of population health screening. Participant phenotype was not available at the time of variant classification. Additional details can be found in publication PMID: 35346344, PMCID: PMC8962531